The following is an entry in ClinVar:

NM_001353214.3(DYM):c.2021T>C (p.Leu674Pro)

Gene: DYM (dymeclin; minus strand). Cytogenetic location: 18q21.1.
Variant type: single nucleotide variant.
Coding change: c.2021T>C on transcript NM_001353214.3 (MANE Select); coding-DNA position 2021, T replaced by C.
Protein change: p.Leu674Pro; replaces leucine 674 with proline.
Molecular consequence: missense variant. On other transcripts: intron variant (3).
Genome position (GRCh38, 1-based): chr18:49,097,406, A>G on the plus strand (T>C on the coding strand, the complement: DYM is on the minus strand). VCF-style: chr18-49097406-A-G. GRCh37 (hg19) VCF-style: chr18-46623776-A-G.
Other names: c.1853T>C, p.Leu618Pro (NM_001353210.3, NM_001353211.3); c.2018T>C, p.Leu673Pro (NM_001353212.3, NM_001353213.3); c.1838T>C, p.Leu613Pro (NM_001353215.3); c.1673T>C, p.Leu558Pro (NM_001353216.3, NM_001374437.1); c.2021T>C, p.Leu674Pro (NM_001374428.1, NM_001374430.1); c.2015T>C, p.Leu672Pro (NM_001374429.1); c.1895T>C, p.Leu632Pro (NM_001374432.1); c.1856T>C, p.Leu619Pro (NM_001374433.1, NM_017653.6); and 11 more; short protein forms L368P, L428P, L429P, L484P, L543P, L556P, L557P, L558P.
Identifiers: ClinVar variation 3036336 (VCV003036336.2), dbSNP rs2513345592, ClinGen allele CA402507683.

ClinVar aggregate classification (germline): Uncertain significance (0 of 4 stars; one submission).

Conditions:
DYM-related disorder. Also called: DYM-related condition.

Submission:

PreventionGenetics, part of Exact Sciences
Classification: Uncertain significance for DYM-related condition. Last evaluated: 2023-11-16. Review status: no assertion criteria provided. Collection method: clinical testing. Allele origin: germline.
Comment: The DYM c.1856T>C variant is predicted to result in the amino acid substitution p.Leu619Pro. To our knowledge, this variant has not been reported in the literature or in a large population database, indicating this variant is rare. At this time, the clinical significance of this variant is uncertain due to the absence of conclusive functional and genetic evidence.